The following is an entry in ClinVar:

ClinVar aggregate classification (germline): Uncertain significance (1 of 4 stars; one submission).

Submission:

Labcorp Genetics (formerly Invitae), Labcorp
Classification: Uncertain significance. Last evaluated: 2024-10-29. Review status: criteria provided, single submitter. Criteria: Invitae Variant Classification Sherloc (09022015). Collection method: clinical testing. Allele origin: germline.
Comment: This sequence change replaces glutamine, which is neutral and polar, with proline, which is neutral and non-polar, at codon 255 of the P3H2 protein (p.Gln255Pro). This variant is not present in population databases (gnomAD no frequency). This variant has not been reported in the literature in individuals affected with P3H2-related conditions. ClinVar contains an entry for this variant (Variation ID: 1358018). Invitae Evidence Modeling of protein sequence and biophysical properties (such as structural, functional, and spatial information, amino acid conservation, physicochemical variation, residue mobility, and thermodynamic stability) has been performed for this missense variant. However, the output from this modeling did not meet the statistical confidence thresholds required to predict the impact of this variant on P3H2 protein function. In summary, the available evidence is currently insufficient to determine the role of this variant in disease. Therefore, it has been classified as a Variant of Uncertain Significance.

NM_018192.4(P3H2):c.764A>C (p.Gln255Pro)

Gene: P3H2 (prolyl 3-hydroxylase 2; minus strand). Cytogenetic location: 3q28.
Variant type: single nucleotide variant.
Coding change: c.764A>C on transcript NM_018192.4 (MANE Select); coding-DNA position 764, A replaced by C.
Protein change: p.Gln255Pro; replaces glutamine 255 with proline.
Molecular consequence: missense variant.
Genome position (GRCh38, 1-based): chr3:189,994,153, T>G on the plus strand (A>C on the coding strand, the complement: P3H2 is on the minus strand). VCF-style: chr3-189994153-T-G. GRCh37 (hg19) VCF-style: chr3-189711942-T-G.
Other names: c.221A>C, p.Gln74Pro (NM_001134418.2); short protein forms Q74P, Q255P.
Identifiers: ClinVar variation 1358018 (VCV001358018.8), dbSNP rs2108923657, ClinGen allele CA355759370.